The following is an entry in ClinVar:

NM_198271.5(LMOD3):c.1355C>T (p.Pro452Leu)

Gene: LMOD3 (leiomodin 3; minus strand). Cytogenetic location: 3p14.1.
Variant type: single nucleotide variant.
Coding change: c.1355C>T on transcript NM_198271.5 (MANE Select); coding-DNA position 1355, C replaced by T.
Protein change: p.Pro452Leu; replaces proline 452 with leucine.
Molecular consequence: missense variant.
Genome position (GRCh38, 1-based): chr3:69,119,000, G>A on the plus strand (C>T on the coding strand, the complement: LMOD3 is on the minus strand). VCF-style: chr3-69119000-G-A. GRCh37 (hg19) VCF-style: chr3-69168151-G-A.
Other names: c.1355C>T, p.Pro452Leu (NM_001304418.3); short protein forms P452L.
Identifiers: ClinVar variation 1490489 (VCV001490489.8), dbSNP rs750436069, ClinGen allele CA2488804.
Genomic context (GRCh38, chr3:69,119,000, plus strand): 5'-GGCTTTTTCATCATTTCACTGCGTTGACTAAAGGGGACATTTTGGGGGTTGGGAGGCCGA[G>A]GTGGCGGTGGCTGGAAGAATTCCTGCATTCTGGAATCTGGCTTGGGTCCTCCCAACAGCT-3'
Protein context (NP_938012.2, residues 442-462): RMQEFFQPPP[Pro452Leu]RPPNPQNVPF

ClinVar aggregate classification (germline): Uncertain significance (1 of 4 stars; one submission).

Conditions:
Nemaline myopathy 10 (NEM10). Identifiers: MedGen C4015360, MONDO:0014513, OMIM 616165.

Allele frequency attached by ClinVar (database versions not stated): ExAC 0.00001; gnomAD exomes 0.00001 and 0.00002.
gnomAD v4.1: 26 of 1,613,646 alleles (0.0016%); highest among the groups gnomAD compares: Non-Finnish European, 0.0019%; no homozygotes.

Submission:

Labcorp Genetics (formerly Invitae), Labcorp
Classification: Uncertain significance for Nemaline myopathy 10. Last evaluated: 2021-03-16. Review status: criteria provided, single submitter. Criteria: Invitae Variant Classification Sherloc (09022015). Collection method: clinical testing. Allele origin: germline.
Comment: In summary, the available evidence is currently insufficient to determine the role of this variant in disease. Therefore, it has been classified as a Variant of Uncertain Significance. Algorithms developed to predict the effect of missense changes on protein structure and function (SIFT, PolyPhen-2, Align-GVGD) all suggest that this variant is likely to be tolerated, but these predictions have not been confirmed by published functional studies and their clinical significance is uncertain. This variant has not been reported in the literature in individuals with LMOD3-related conditions. This variant is present in population databases (rs750436069, ExAC 0.001%). This sequence change replaces proline with leucine at codon 452 of the LMOD3 protein (p.Pro452Leu). The proline residue is weakly conserved and there is a moderate physicochemical difference between proline and leucine.